The following is an entry in ClinVar:

NM_001453.3(FOXC1):c.691G>A (p.Gly231Ser)

Gene: FOXC1 (forkhead box C1; plus strand). Cytogenetic location: 6p25.3.
Variant type: single nucleotide variant.
Coding change: c.691G>A on transcript NM_001453.3 (MANE Select); coding-DNA position 691, G replaced by A.
Protein change: p.Gly231Ser; replaces glycine 231 with serine.
Molecular consequence: missense variant.
Genome position (GRCh38, 1-based): chr6:1,611,136, G>A. VCF-style: chr6-1611136-G-A. GRCh37 (hg19) VCF-style: chr6-1611371-G-A.
Other names: c.691G>A (NM_001453.2); short protein forms G231S.
Identifiers: ClinVar variation 3593304 (VCV003593304.5).

ClinVar aggregate classification (germline): Uncertain significance. Review status: criteria provided, multiple submitters, no conflicts (2 of 4 stars). 4 submissions from 4 submitters: Uncertain significance (4). Last evaluated 2025-11-27.

Conditions:
Axenfeld-Rieger syndrome type 3 (RIEG3). Also called: AXENFELD-RIEGER ANOMALY WITH CARDIAC DEFECTS AND/OR SENSORINEURAL HEARING LOSS. Identifiers: Orphanet 782, MedGen C2678503, MONDO:0011233, OMIM 602482.
Anterior segment dysgenesis 3 (ASGD3). Also called: IRIDOGONIODYSGENESIS ANOMALY, AUTOSOMAL DOMINANT; Glaucoma iridogoniodysplasia, familial. Identifiers: Orphanet 91483, MedGen C5975707, MONDO:0024456, OMIM 601631.
Inborn genetic diseases. Identifiers: MedGen C0950123, MeSH D030342.

gnomAD v4.1: 17 of 1,427,020 alleles (0.0012%); highest among the groups gnomAD compares: African/African-American, 0.0015%; no homozygotes.

Submissions (4):

Ambry Genetics
Classification: Uncertain significance for Inborn genetic diseases. Last evaluated: 2025-11-27. Review status: criteria provided, single submitter. Criteria: Ambry Variant Classification Scheme 2023. Collection method: clinical testing. Allele origin: germline.

Blueprint Genetics
Classification: Uncertain significance. Last evaluated: 2024-06-28. Review status: criteria provided, single submitter. Criteria: ACMG Guidelines, 2015. Collection method: clinical testing. Allele origin: germline.

Fulgent Genetics
Classification: Uncertain significance for Anterior segment dysgenesis 3; Axenfeld-Rieger syndrome type 3. Last evaluated: 2024-05-22. Review status: criteria provided, single submitter. Criteria: ACMG Guidelines, 2015. Collection method: clinical testing. Allele origin: germline.

Labcorp Genetics (formerly Invitae), Labcorp
Classification: Uncertain significance for Axenfeld-Rieger syndrome type 3. Last evaluated: 2024-03-24. Review status: criteria provided, single submitter. Criteria: Invitae Variant Classification Sherloc (09022015). Collection method: clinical testing. Allele origin: germline.
Comment: This sequence change replaces glycine, which is neutral and non-polar, with serine, which is neutral and polar, at codon 231 of the FOXC1 protein (p.Gly231Ser). The frequency data for this variant in the population databases is considered unreliable, as metrics indicate poor data quality at this position in the gnomAD database. This variant has not been reported in the literature in individuals affected with FOXC1-related conditions. An algorithm developed to predict the effect of missense changes on protein structure and function (PolyPhen-2) suggests that this variant is likely to be disruptive. In summary, the available evidence is currently insufficient to determine the role of this variant in disease. Therefore, it has been classified as a Variant of Uncertain Significance.